The following is an entry in ClinVar:

ClinVar aggregate classification (germline): Uncertain significance. Review status: criteria provided, multiple submitters, no conflicts (2 of 4 stars). 2 submissions from 2 submitters: Uncertain significance (2). Last evaluated 2024-05-14.

Conditions:
Hypertrophic cardiomyopathy. Also called: HYPERTROPHIC MYOCARDIOPATHY. Identifiers: Orphanet 217569, MedGen C0007194, MeSH D002312, MONDO:0005045, HP:0001639.
Cardiomyopathy (CMYO). Also called: Cardiomyopathies. Identifiers: Orphanet 167848, MedGen C0878544, MONDO:0004994, HP:0001638. Inheritance: Various modes of inheritance.

Submissions (2):

All of Us Research Program, National Institutes of Health
Classification: Uncertain significance for Cardiomyopathy. Last evaluated: 2024-05-14. Review status: criteria provided, single submitter. Criteria: ACMG Guidelines, 2015. Collection method: clinical testing. Allele origin: germline. Inheritance: Autosomal dominant inheritance. Observed: 1 variant allele, 1 heterozygote.
Comment: This missense variant replaces lysine with glutamic acid at codon 145 of the MYH7 protein. Computational prediction tools indicate that this variant has a deleterious impact on protein structure and function. To our knowledge, functional studies have not been reported for this variant. This variant has not been reported in individuals affected with MYH7-related disorders in the literature. This variant has not been identified in the general population by the Genome Aggregation Database (gnomAD). The available evidence is insufficient to determine the role of this variant in disease conclusively. Therefore, this variant is classified as a Variant of Uncertain Significance.

This study involves interpretation of variants in research participants for the purpose of population health screening. Participant phenotype was not available at the time of variant classification. Additional details can be found in publication PMID: 35346344, PMCID: PMC8962531

Labcorp Genetics (formerly Invitae), Labcorp
Classification: Uncertain significance for Hypertrophic cardiomyopathy. Last evaluated: 2022-12-31. Review status: criteria provided, single submitter. Criteria: Invitae Variant Classification Sherloc (09022015). Collection method: clinical testing. Allele origin: germline.
Comment: Advanced modeling of protein sequence and biophysical properties (such as structural, functional, and spatial information, amino acid conservation, physicochemical variation, residue mobility, and thermodynamic stability) performed at Invitae indicates that this missense variant is expected to disrupt MYH7 protein function. In summary, the available evidence is currently insufficient to determine the role of this variant in disease. Therefore, it has been classified as a Variant of Uncertain Significance. This variant has not been reported in the literature in individuals affected with MYH7-related conditions. This sequence change replaces lysine, which is basic and polar, with glutamic acid, which is acidic and polar, at codon 145 of the MYH7 protein (p.Lys145Glu). This variant is not present in population databases (gnomAD no frequency).

NM_000257.4(MYH7):c.433A>G (p.Lys145Glu)

Gene: MYH7 (myosin heavy chain 7; minus strand). Cytogenetic location: 14q11.2.
Variant type: single nucleotide variant.
Coding change: c.433A>G on transcript NM_000257.4 (MANE Select); coding-DNA position 433, A replaced by G.
Protein change: p.Lys145Glu; replaces lysine 145 with glutamic acid.
Molecular consequence: missense variant.
Genome position (GRCh38, 1-based): chr14:23,432,708, T>C on the plus strand (A>G on the coding strand, the complement: MYH7 is on the minus strand). VCF-style: chr14-23432708-T-C. GRCh37 (hg19) VCF-style: chr14-23901917-T-C.
Other names: c.433A>G, p.Lys145Glu (NM_001407004.1); short protein forms K145E.
Identifiers: ClinVar variation 2989758 (VCV002989758.4), dbSNP rs2502317905, ClinGen allele CA389052831.